The following is an entry in ClinVar:

NM_001371928.1(AHDC1):c.2821G>T (p.Ala941Ser)

Gene: AHDC1 (AT-hook DNA binding motif containing 1; minus strand). Cytogenetic location: 1p36.11.
Variant type: single nucleotide variant.
Coding change: c.2821G>T on transcript NM_001371928.1 (MANE Select); coding-DNA position 2821, G replaced by T.
Protein change: p.Ala941Ser; replaces alanine 941 with serine.
Molecular consequence: missense variant.
Genome position (GRCh38, 1-based): chr1:27,549,295, C>A on the plus strand (G>T on the coding strand, the complement: AHDC1 is on the minus strand). VCF-style: chr1-27549295-C-A. GRCh37 (hg19) VCF-style: chr1-27875806-C-A.
Other names: c.2821G>T, p.Ala941Ser (NM_001029882.3); short protein forms A941S.
Identifiers: ClinVar variation 3360320 (VCV003360320.1).
Genomic context (GRCh38, chr1:27,549,295, plus strand): 5'-GGGTGGTAGGTGAGCGGGCCATGGCTGAGGGCGGGGGCACCAGCTTGGGGAAGGTCTCGG[C>A]TGCCCGGCAGTCTGAAGCGGCTGGAGTTAGCCCATAGCTTGCTGCTCGTCCTGGTGGGAA-3'
Protein context (NP_001358857.1, residues 931-951): LTPAASDCRA[Ala941Ser]ETFPKLVPPP

ClinVar aggregate classification (germline): Uncertain significance (1 of 4 stars; one submission).

Submission:

GeneDx
Classification: Uncertain significance. Last evaluated: 2023-06-23. Review status: criteria provided, single submitter. Criteria: GeneDx Variant Classification Process June 2021. Collection method: clinical testing. Allele origin: germline. Affected: yes.
Comment: Not observed at significant frequency in large population cohorts (gnomAD); In silico analysis supports that this missense variant does not alter protein structure/function; Has not been previously published as pathogenic or benign to our knowledge